The following is an entry in ClinVar:

ClinVar aggregate classification (germline): Likely benign (1 of 4 stars; one submission).

Allele frequency attached by ClinVar (database versions not stated): gnomAD 0.00002 and 0.00003; gnomAD exomes 0.00002 and 0.00006; TOPMed 0.00003; ExAC 0.00007.
gnomAD v4.1: 40 of 1,613,800 alleles (0.0025%); highest among the groups gnomAD compares: East Asian, 0.018%; no homozygotes.

Submission:

CeGaT Center for Human Genetics Tuebingen
Classification: Likely benign. Last evaluated: 2022-06-01. Review status: criteria provided, single submitter. Criteria: CeGaT Center For Human Genetics Tuebingen Variant Classification Criteria Version 2. Collection method: clinical testing. Allele origin: germline. Affected: yes. Observed: 1 variant allele.
Comment: MYT1L: BP4, BP7

NM_001303052.2(MYT1L):c.1890G>A (p.Pro630=)

Gene: MYT1L (myelin transcription factor 1 like; minus strand). Cytogenetic location: 2p25.3.
Variant type: single nucleotide variant.
Coding change: c.1890G>A on transcript NM_001303052.2 (MANE Select); coding-DNA position 1890, G replaced by A.
Protein change: p.Pro630=; no amino-acid change (proline 630 retained).
Molecular consequence: synonymous variant.
Genome position (GRCh38, 1-based): chr2:1,903,222, C>T on the plus strand (G>A on the coding strand, the complement: MYT1L is on the minus strand). VCF-style: chr2-1903222-C-T. GRCh37 (hg19) VCF-style: chr2-1906994-C-T.
Other names: c.1890G>A, p.Pro630= (NM_001329844.2, NM_001329845.1, NM_001329851.3); c.1884G>A, p.Pro628= (NM_001329846.3, NM_001329847.2, NM_001329848.1 and 3 more transcripts).
Identifiers: ClinVar variation 1694949 (VCV001694949.31), dbSNP rs745509992, ClinGen allele CA1514116.